The following is an entry in ClinVar:

NM_006031.6(PCNT):c.4738C>G (p.Gln1580Glu)

Gene: PCNT (pericentrin; plus strand). Cytogenetic location: 21q22.3.
Variant type: single nucleotide variant.
Coding change: c.4738C>G on transcript NM_006031.6 (MANE Select); coding-DNA position 4738, C replaced by G.
Protein change: p.Gln1580Glu; replaces glutamine 1580 with glutamic acid.
Molecular consequence: missense variant.
Genome position (GRCh38, 1-based): chr21:46,399,743, C>G. VCF-style: chr21-46399743-C-G. GRCh37 (hg19) VCF-style: chr21-47819657-C-G.
Other names: c.4384C>G, p.Gln1462Glu (NM_001315529.2); short protein forms Q1580E, Q1462E.
Identifiers: ClinVar variation 4991338 (VCV004991338.1).
Genomic context (GRCh38, chr21:46,399,743, plus strand): 5'-CAGGAAGAAGAAATTAAACGTCTGGAGGAGATGAACATCAACATCAGGAAAAAAGTGGCC[C>G]AGCTCCAGGAAGAAGTGGAAAAACAGAAAAACATCGTGAAAGGGCTGGAACAGGTAAAGC-3'
Protein context (NP_006022.3, residues 1570-1590): MNINIRKKVA[Gln1580Glu]LQEEVEKQKN

ClinVar aggregate classification (germline): Uncertain significance (1 of 4 stars; one submission).

Conditions:
PCNT-related disorder. Also called: PCNT-related condition.

gnomAD v4.1: 2 of 1,614,106 alleles (0.00012%); highest among the groups gnomAD compares: African/African-American, 0.0027%; no homozygotes.

Submission:

PreventionGenetics, part of Exact Sciences
Classification: Uncertain significance for PCNT-related condition. Last evaluated: 2026-04-14. Review status: criteria provided, single submitter. Criteria: ACMG Guidelines, 2015. Collection method: clinical testing. Allele origin: germline.
Comment: The PCNT c.4738C>G variant is predicted to result in the amino acid substitution p.Gln1580Glu. To our knowledge, this variant has not been reported in the literature or in a large population database (gnomAD), indicating this variant is rare. At this time, the clinical significance of this variant is uncertain due to the absence of conclusive functional and genetic evidence.